The following is an entry in ClinVar:

ClinVar aggregate classification (germline): Pathogenic (1 of 4 stars; one submission).

Submission:

GeneDx
Classification: Pathogenic. Last evaluated: 2026-03-16. Review status: criteria provided, single submitter. Criteria: GeneDx Variant Classification Process June 2021. Collection method: clinical testing. Allele origin: germline.
Comment: Frameshift variant predicted to result in protein truncation or nonsense mediated decay in a gene for which loss of function is a known mechanism of disease; Not observed at significant frequency in large population cohorts (gnomAD); Truncating variants in this gene are considered pathogenic by a well-established clinical consortium and/or database; This variant is associated with the following publications: (PMID: 37651980, 28724667, 29752822, 33646313)

NM_024675.4(PALB2):c.827dup (p.His276fs)

Gene: PALB2 (partner and localizer of BRCA2; minus strand). Cytogenetic location: 16p12.2.
Variant type: Duplication.
Coding change: c.827dup on transcript NM_024675.4 (MANE Select); coding-DNA position 827, one base duplicated (A; older notation c.827dupA).
Protein change: p.His276fs; shifts the reading frame from histidine 276.
Molecular consequence: frameshift variant. On other transcripts: 5 prime UTR variant (8), intron variant (3).
Genome position (GRCh38, 1-based): chr16:23,635,719, T duplicated on the plus strand (A on the coding strand, the reverse complement: PALB2 is on the minus strand). VCF-style (leftmost placement, unchanged base first): chr16-23635718-G-GT. GRCh37 (hg19) VCF-style: chr16-23647039-G-GT.
Other names: c.767dup, p.His256fs (NM_001407296.1); c.827dup, p.His276fs (NM_001407297.1, NM_001407298.1, NM_001407299.1 and 3 more transcripts); c.-59dup (NM_001407304.1, NM_001407305.1, NM_001407306.1 and 5 more transcripts); c.48+5391dup (NM_001407314.1); c.-104-5250dup (NM_001407313.1, NM_001407312.1); short protein forms H256fs, H276fs.
Identifiers: ClinVar variation 4975144 (VCV004975144.1).
Genomic context (GRCh38, chr16:23,635,718, plus strand): 5'-CATTTTTTTGCCTTGTGCCTCCAAACTTACAGGTGAAGTAAATCTAATGTTTTTTAGGTC[G>GT]TGAGTAGTAAGTTCACTGCTACCTTTAGGAGGAATGTGTTCAAGGTGCTGACTACTACCG-3'